The following is an entry in ClinVar:

NM_016169.4(SUFU):c.1245C>T (p.Gly415=)

Gene: SUFU (SUFU negative regulator of hedgehog signaling; plus strand). Cytogenetic location: 10q24.32.
Variant type: single nucleotide variant.
Coding change: c.1245C>T on transcript NM_016169.4 (MANE Select); coding-DNA position 1245, C replaced by T.
Protein change: p.Gly415=; no amino-acid change (glycine 415 retained).
Molecular consequence: synonymous variant.
Genome position (GRCh38, 1-based): chr10:102,617,377, C>T. VCF-style: chr10-102617377-C-T. GRCh37 (hg19) VCF-style: chr10-104377134-C-T.
Other names: c.1245C>T, p.Gly415= (NM_001178133.2).
Identifiers: ClinVar variation 413910 (VCV000413910.50), dbSNP rs144158469, ClinGen allele CA5667907.

ClinVar aggregate classification (germline): Conflicting classifications of pathogenicity. Review status: criteria provided, conflicting classifications (1 of 4 stars). 7 submissions from 7 submitters: Uncertain significance (1); Benign (3); Likely benign (2). 1 of the submissions does not count toward it. Last evaluated 2026-09-01.

Conditions:
SUFU-related disorder. Also called: SUFU-related condition; SUFU-related disorders.
Gorlin syndrome. Also called: Nevoid Basal Cell Carcinoma Syndrome; Basal cell nevus syndrome. Identifiers: Orphanet 377, MedGen C0004779, MONDO:0007187.
Medulloblastoma (MDB). Also called: MEDULLOBLASTOMA PREDISPOSITION SYNDROME; Medulloblastoma, somatic. Identifiers: Orphanet 616, MedGen C0025149, MeSH D008527, MONDO:0007959, OMIM 155255, HP:0002885.
Hereditary cancer-predisposing syndrome. Also called: Hereditary neoplastic syndrome; Neoplastic Syndromes, Hereditary; Hereditary Cancer Syndrome; Tumor predisposition. Identifiers: Orphanet 140162, MedGen C0027672, MeSH D009386, MONDO:0015356.

Allele frequency attached by ClinVar (database versions not stated): gnomAD exomes 0.00006 and 0.00033; gnomAD 0.00011; ESP Exome Variant Server 0.00015; TOPMed 0.00024; 1000 Genomes Project 30x 0.00031; 1000 Genomes Project 0.00040.
gnomAD v4.1: 105 of 1,614,236 alleles (0.0065%); highest among the groups gnomAD compares: Admixed American, 0.15%; no homozygotes.

Submissions (8):

CeGaT Center for Human Genetics Tuebingen
Classification: Likely benign. Last evaluated: 2026-09-01. Review status: criteria provided, single submitter. Criteria: CeGaT Center For Human Genetics Tuebingen Variant Classification Criteria Version 2. Collection method: clinical testing. Allele origin: germline. Affected: yes. Observed: 2 variant alleles.
Comment: SUFU: BP4, BP7

Labcorp Genetics (formerly Invitae), Labcorp
Classification: Benign for Gorlin syndrome; Medulloblastoma. Last evaluated: 2026-01-29. Review status: criteria provided, single submitter. Criteria: Invitae Variant Classification Sherloc (09022015). Collection method: clinical testing. Allele origin: germline.

Women's Health and Genetics/Laboratory Corporation of America, LabCorp
Classification: Benign. Last evaluated: 2025-09-12. Review status: criteria provided, single submitter. Criteria: LabCorp Variant Classification Summary - May 2015. Collection method: clinical testing. Allele origin: germline.

ARUP Laboratories, Molecular Genetics and Genomics, ARUP Laboratories
Classification: Uncertain significance. Last evaluated: 2024-09-12. Review status: criteria provided, single submitter. Criteria: ARUP Molecular Germline Variant Investigation Process 2024. Collection method: clinical testing. Allele origin: germline.
Comment: The SUFU c.1245C>T; p.Gly415Gly variant (rs144158469), to our knowledge, is not reported in the medical literature but is reported in ClinVar (Variation ID: 413910). This variant is found predominantly in the Admixed American population with an allele frequency of 0.2% (76/35440 alleles) in the Genome Aggregation Database (v2.1.1). This is a synonymous variant and computational analyses (Alamut Visual Plus v.1.5.1) predict that this variant may impact splicing by creating a novel cryptic donor splice site. However, it is uncertain if this new splice site is utilized without functional mRNA studies. While the high population frequency suggests that this is likely a benign variant, given the lack of clinical and functional data, the significance of this variant is uncertain at this time.

Quest Diagnostics Nichols Institute San Juan Capistrano
Classification: Benign. Last evaluated: 2021-08-26. Review status: criteria provided, single submitter. Criteria: Quest Diagnostics criteria. Collection method: clinical testing. Allele origin: unknown.

Ambry Genetics
Classification: Likely benign for Hereditary cancer-predisposing syndrome. Last evaluated: 2017-04-13. Review status: criteria provided, single submitter. Criteria: Ambry Variant Classification Scheme 2023. Collection method: clinical testing. Allele origin: germline.

PreventionGenetics, part of Exact Sciences
Classification: Likely benign for SUFU-related condition. Last evaluated: 2021-04-27. Review status: no assertion criteria provided. Collection method: clinical testing. Allele origin: germline. Not counted in ClinVar's aggregate classification.
Comment: This variant is classified as likely benign based on ACMG/AMP sequence variant interpretation guidelines (Richards et al. 2015 PMID: 25741868, with internal and published modifications).

Dr. Peter K. Rogan Lab, Western University
No classification provided (evidence only). Condition: Thyroid cancer, nonmedullary, 1. Review status: no classification provided. Collection method: in vitro. Allele origin: not applicable. Functional consequence: retained intron. Not counted in ClinVar's aggregate classification.